The following is an entry in ClinVar:

NM_006642.5(SDCCAG8):c.1423C>T (p.His475Tyr)

Gene: SDCCAG8 (SHH signaling and ciliogenesis regulator SDCCAG8; plus strand). Cytogenetic location: 1q43.
Variant type: single nucleotide variant.
Coding change: c.1423C>T on transcript NM_006642.5 (MANE Select); coding-DNA position 1423, C replaced by T.
Protein change: p.His475Tyr; replaces histidine 475 with tyrosine.
Molecular consequence: missense variant.
Genome position (GRCh38, 1-based): chr1:243,344,281, C>T. VCF-style: chr1-243344281-C-T. GRCh37 (hg19) VCF-style: chr1-243507583-C-T.
Other names: c.1423C>T (NM_006642.3); c.520C>T, p.His174Tyr (NM_001350246.2, NM_001350247.2, NM_001350251.2); c.1519C>T, p.His507Tyr (NM_001350248.2); c.1129C>T, p.His377Tyr (NM_001350249.2); short protein forms H475Y, H377Y, H507Y, H174Y.
Identifiers: ClinVar variation 1041316 (VCV001041316.8), dbSNP rs190941099, ClinGen allele CA1483640.

ClinVar aggregate classification (germline): Uncertain significance. Review status: criteria provided, multiple submitters, no conflicts (2 of 4 stars). 3 submissions from 3 submitters: Uncertain significance (2). 1 of the submissions does not count toward it. Last evaluated 2024-04-23.

Conditions:
SDCCAG8-related disorder. Also called: SDCCAG8-Related Disorders; SDCCAG8-related condition.
Senior-Loken syndrome 7 (SLSN7). Identifiers: Orphanet 3156, MedGen C3150877, MONDO:0013326, OMIM 613615.
Bardet-Biedl syndrome 16 (BBS16). Identifiers: Orphanet 110, MedGen C3889474, MONDO:0014444, OMIM 615993.

Allele frequency attached by ClinVar (database versions not stated): gnomAD 0.00001 and 0.00004; gnomAD exomes 0.00002 and 0.00007; TOPMed 0.00004; ExAC 0.00007; 1000 Genomes Project 30x 0.00047; 1000 Genomes Project 0.00060.
gnomAD v4.1: 53 of 1,613,942 alleles (0.0033%); highest among the groups gnomAD compares: East Asian, 0.083%; no homozygotes.

Submissions (3):

Fulgent Genetics
Classification: Uncertain significance for Senior-Loken syndrome 7; Bardet-Biedl syndrome 16. Last evaluated: 2024-04-23. Review status: criteria provided, single submitter. Criteria: ACMG Guidelines, 2015. Collection method: clinical testing. Allele origin: germline.

Labcorp Genetics (formerly Invitae), Labcorp
Classification: Uncertain significance for Bardet-Biedl syndrome 16; Senior-Loken syndrome 7. Last evaluated: 2022-09-27. Review status: criteria provided, single submitter. Criteria: Invitae Variant Classification Sherloc (09022015). Collection method: clinical testing. Allele origin: germline.
Comment: This sequence change replaces histidine, which is basic and polar, with tyrosine, which is neutral and polar, at codon 475 of the SDCCAG8 protein (p.His475Tyr). This variant is present in population databases (rs190941099, gnomAD 0.08%). This variant has not been reported in the literature in individuals affected with SDCCAG8-related conditions. ClinVar contains an entry for this variant (Variation ID: 1041316). Advanced modeling of protein sequence and biophysical properties (such as structural, functional, and spatial information, amino acid conservation, physicochemical variation, residue mobility, and thermodynamic stability) performed at Invitae indicates that this missense variant is not expected to disrupt SDCCAG8 protein function. In summary, the available evidence is currently insufficient to determine the role of this variant in disease. Therefore, it has been classified as a Variant of Uncertain Significance.

PreventionGenetics, part of Exact Sciences
Classification: Uncertain significance for SDCCAG8-related condition. Last evaluated: 2024-08-13. Review status: no assertion criteria provided. Collection method: clinical testing. Allele origin: germline. Not counted in ClinVar's aggregate classification.
Comment: The SDCCAG8 c.1423C>T variant is predicted to result in the amino acid substitution p.His475Tyr. To our knowledge, this variant has not been reported in the literature. This variant is reported in 0.085% of alleles in individuals of East Asian descent in gnomAD. At this time, the clinical significance of this variant is uncertain due to the absence of conclusive functional and genetic evidence.